The following is an entry in ClinVar:

ClinVar aggregate classification (germline): Likely benign (1 of 4 stars; one submission).

Allele frequency attached by ClinVar (database versions not stated): 1000 Genomes Project 0.00026; 1000 Genomes Project 30x 0.00042; TOPMed 0.00046; gnomAD 0.00061; gnomAD exomes 0.00091.
gnomAD v4.1: 807 of 937,274 alleles (0.086%); highest among the groups gnomAD compares: Non-Finnish European, 0.094%; no homozygotes.

Submission:

CeGaT Center for Human Genetics Tuebingen
Classification: Likely benign. Last evaluated: 2022-11-01. Review status: criteria provided, single submitter. Criteria: CeGaT Center For Human Genetics Tuebingen Variant Classification Criteria Version 2. Collection method: clinical testing. Allele origin: germline. Affected: yes. Observed: 1 variant allele.
Comment: TEX13D: BP4, BP7

NM_001355534.2(TEX13D):c.2085G>A (p.Thr695=)

Gene: TEX13D (TEX13 family member D; plus strand). Cytogenetic location: Xq25.
Variant type: single nucleotide variant.
Coding change: c.2085G>A on transcript NM_001355534.2 (MANE Select); coding-DNA position 2085, G replaced by A.
Protein change: p.Thr695=; no amino-acid change (threonine 695 retained).
Molecular consequence: synonymous variant.
Genome position (GRCh38, 1-based): chrX:124,335,002, G>A. VCF-style: chrX-124335002-G-A. GRCh37 (hg19) VCF-style: chrX-123468852-G-A.
Identifiers: ClinVar variation 2661358 (VCV002661358.24), dbSNP rs745604663, ClinGen allele CA335065905.